The following is an entry in ClinVar:

ClinVar aggregate classification (germline): Pathogenic (1 of 4 stars; one submission).

Submission:

Labcorp Genetics (formerly Invitae), Labcorp
Classification: Pathogenic. Last evaluated: 2024-02-20. Review status: criteria provided, single submitter. Criteria: Invitae Variant Classification Sherloc (09022015). Collection method: clinical testing. Allele origin: germline.
Comment: This sequence change creates a premature translational stop signal (p.Trp1424*) in the ADGRV1 gene. It is expected to result in an absent or disrupted protein product. Loss-of-function variants in ADGRV1 are known to be pathogenic (PMID: 19357117, 22135276, 22147658, 26226137, 30718709, 31047384, 32467589). This variant is not present in population databases (gnomAD no frequency). This variant has not been reported in the literature in individuals affected with ADGRV1-related conditions. For these reasons, this variant has been classified as Pathogenic.

Literature cited by the submitters: PubMed 19357117; PubMed 22135276; PubMed 22147658; PubMed 26226137; PubMed 30718709; PubMed 31047384; PubMed 32467589.

NM_032119.4(ADGRV1):c.4272G>A (p.Trp1424Ter)

Gene: ADGRV1 (adhesion G protein-coupled receptor V1; plus strand). Cytogenetic location: 5q14.3.
Variant type: single nucleotide variant.
Coding change: c.4272G>A on transcript NM_032119.4 (MANE Select); coding-DNA position 4272, G replaced by A.
Protein change: p.Trp1424Ter; replaces tryptophan 1424 with a stop codon.
Molecular consequence: nonsense. On other transcripts: non-coding transcript variant (1).
Genome position (GRCh38, 1-based): chr5:90,653,846, G>A. VCF-style: chr5-90653846-G-A. GRCh37 (hg19) VCF-style: chr5-89949663-G-A.
Other names: short protein forms W1424*.
Identifiers: ClinVar variation 3642331 (VCV003642331.2).